The following is an entry in ClinVar:

NM_020533.3(MCOLN1):c.405+13G>A

Gene: MCOLN1 (mucolipin TRP cation channel 1; plus strand). Cytogenetic location: 19p13.2.
Variant type: single nucleotide variant.
Coding change: c.405+13G>A on transcript NM_020533.3 (MANE Select); 13 bases into the intron after coding-DNA position 405, G replaced by A.
Molecular consequence: intron variant.
Genome position (GRCh38, 1-based): chr19:7,526,619, G>A. VCF-style: chr19-7526619-G-A. GRCh37 (hg19) VCF-style: chr19-7591505-G-A.
Identifiers: ClinVar variation 330489 (VCV000330489.26), dbSNP rs73488492, ClinGen allele CA9138709.
Genomic context (GRCh38, chr19:7,526,619, plus strand): 5'-TACACGCGGGAGCAGCTGTACCAGGCCATCTTCCATGCTGTGGACCAGGTGCTGGTGGGC[G>A]GGCAGGTGCTGGTGGGCAGGCAGGTGCAGGTGGGCGGGCAGGTGCAGTTGGGCGGGCAGG-3'

ClinVar aggregate classification (germline): Benign. Review status: criteria provided, multiple submitters, no conflicts (2 of 4 stars). 6 submissions from 6 submitters: Benign (4). 2 of the submissions do not count toward it. Last evaluated 2026-02-04.

Conditions:
Mucolipidosis type IV (ML4). Also called: ML IV. Identifiers: Orphanet 578, MedGen C0238286, MONDO:0009653, OMIM 252650.

Allele frequency attached by ClinVar (database versions not stated): gnomAD exomes 0.01442 and 0.01800; TOPMed 0.01526; ESP Exome Variant Server 0.01622; ExAC 0.01854; gnomAD 0.01978 and 0.02005; 1000 Genomes Project 0.02815.
gnomAD v4.1: 24,194 of 1,610,600 alleles (1.5%); highest among the groups gnomAD compares: East Asian, 3.1%; 359 homozygotes.

Submissions (14):

Labcorp Genetics (formerly Invitae), Labcorp
Classification: Benign for Mucolipidosis type IV. Last evaluated: 2026-02-04. Review status: criteria provided, single submitter. Criteria: Invitae Variant Classification Sherloc (09022015). Collection method: clinical testing. Allele origin: germline.

GeneDx
Classification: Benign. Last evaluated: 2018-07-05. Review status: criteria provided, single submitter. Criteria: GeneDx Variant Classification Process June 2021. Collection method: clinical testing. Allele origin: germline. Affected: yes.

Illumina Laboratory Services, Illumina
Classification: Benign for Mucolipidosis type IV. Last evaluated: 2018-01-12. Review status: criteria provided, single submitter. Criteria: ICSL Variant Classification Criteria 13 December 2019. Collection method: clinical testing. Allele origin: germline.
Comment: This variant was observed in the ICSL laboratory as part of a predisposition screen in an ostensibly healthy population. It had not been previously curated by ICSL or reported in the Human Gene Mutation Database (HGMD: prior to June 1st, 2018), and was therefore a candidate for classification through an automated scoring system. Utilizing variant allele frequency, disease prevalence and penetrance estimates, and inheritance mode, an automated score was calculated to assess if this variant is too frequent to cause the disease. Based on the score and internal cut-off values, a variant classified as benign is not then subjected to further curation. The score for this variant resulted in a classification of benign for this disease.

Breakthrough Genomics
Classification: Benign. Review status: criteria provided, single submitter. Criteria: ACMG Guidelines, 2015. Collection method: not provided. Allele origin: germline. Inheritance: Autosomal recessive inheritance. Affected: yes.

Natera, Inc.
Classification: Benign for Mucolipidosis type IV. Last evaluated: 2018-04-13. Review status: no assertion criteria provided. Collection method: clinical testing. Allele origin: germline. Not counted in ClinVar's aggregate classification.

Mayo Clinic Laboratories, Mayo Clinic
Classification: Benign. Last evaluated: 2017-04-18. Review status: no assertion criteria provided. Collection method: clinical testing. Allele origin: unknown. Not counted in ClinVar's aggregate classification.

Dr. Peter K. Rogan Lab, Western University
No classification provided (evidence only). Condition: Lung cancer. Review status: no classification provided. Collection method: in vitro. Allele origin: not applicable. Functional consequence: retained intron. Not counted in ClinVar's aggregate classification.

Dr. Peter K. Rogan Lab, Western University
No classification provided (evidence only). Condition: Acute myeloid leukemia. Review status: no classification provided. Collection method: in vitro. Allele origin: not applicable. Functional consequence: retained intron. Not counted in ClinVar's aggregate classification.

Dr. Peter K. Rogan Lab, Western University
No classification provided (evidence only). Condition: Malignant lymphoma, large B-cell, diffuse. Review status: no classification provided. Collection method: in vitro. Allele origin: not applicable. Functional consequence: retained intron. Not counted in ClinVar's aggregate classification.

Dr. Peter K. Rogan Lab, Western University
No classification provided (evidence only). Condition: Thymoma. Review status: no classification provided. Collection method: in vitro. Allele origin: not applicable. Functional consequence: retained intron. Not counted in ClinVar's aggregate classification.

Dr. Peter K. Rogan Lab, Western University
No classification provided (evidence only). Condition: Thymoma. Review status: no classification provided. Collection method: in vitro. Allele origin: not applicable. Functional consequence: retained intron. Not counted in ClinVar's aggregate classification.

Dr. Peter K. Rogan Lab, Western University
No classification provided (evidence only). Condition: Thymoma. Review status: no classification provided. Collection method: in vitro. Allele origin: not applicable. Functional consequence: retained intron. Not counted in ClinVar's aggregate classification.

Dr. Peter K. Rogan Lab, Western University
No classification provided (evidence only). Condition: Ovarian serous cystadenocarcinoma. Review status: no classification provided. Collection method: in vitro. Allele origin: not applicable. Functional consequence: retained intron. Not counted in ClinVar's aggregate classification.

Dr. Peter K. Rogan Lab, Western University
No classification provided (evidence only). Condition: Malignant tumor of esophagus. Review status: no classification provided. Collection method: in vitro. Allele origin: not applicable. Functional consequence: retained intron. Not counted in ClinVar's aggregate classification.